The following is an entry in ClinVar:

ClinVar aggregate classification (germline): Uncertain significance. Review status: criteria provided, multiple submitters, no conflicts (2 of 4 stars). 2 submissions from 2 submitters: Uncertain significance (2). Last evaluated 2026-06-16.

Conditions:
Hereditary cancer-predisposing syndrome. Also called: Tumor predisposition; Hereditary neoplastic syndrome; Neoplastic Syndromes, Hereditary; Hereditary Cancer Syndrome. Identifiers: Orphanet 140162, MedGen C0027672, MeSH D009386, MONDO:0015356.
Mitochondrial complex II deficiency, nuclear type 1. Also called: SUCCINATE CoQ REDUCTASE DEFICIENCY. Identifiers: Orphanet 3208, MedGen C5700310, MONDO:0100294, OMIM 252011.
Pheochromocytoma/paraganglioma syndrome 5. Also called: Paragangliomas 5; SDHA-Related Hereditary Paraganglioma-Pheochromocytoma Syndrome. Identifiers: Orphanet 29072, MedGen C3279992, MONDO:0013602, OMIM 614165.

Allele frequency attached by ClinVar (database versions not stated): gnomAD exomes below 0.00001.
gnomAD v4.1: 1 of 1,612,846 alleles (0.000062%); highest among the groups gnomAD compares: African/African-American, 0.0013%; no homozygotes.

Submissions (2):

Ambry Genetics
Classification: Uncertain significance for Hereditary cancer-predisposing syndrome. Last evaluated: 2026-06-16. Review status: criteria provided, single submitter. Criteria: Ambry Variant Classification Scheme 2023. Collection method: clinical testing. Allele origin: germline.
Comment: The p.G157S variant (also known as c.469G>A), located in coding exon 5 of the SDHA gene, results from a G to A substitution at nucleotide position 469. The glycine at codon 157 is replaced by serine, an amino acid with similar properties. This amino acid position is highly conserved in available vertebrate species. In addition, this alteration is predicted to be deleterious by in silico analysis. Based on the available evidence, the clinical significance of this variant remains unclear.

Labcorp Genetics (formerly Invitae), Labcorp
Classification: Uncertain significance for Pheochromocytoma/paraganglioma syndrome 5; Mitochondrial complex II deficiency, nuclear type 1. Last evaluated: 2025-03-05. Review status: criteria provided, single submitter. Criteria: Invitae Variant Classification Sherloc (09022015). Collection method: clinical testing. Allele origin: germline.
Comment: This sequence change replaces glycine, which is neutral and non-polar, with serine, which is neutral and polar, at codon 157 of the SDHA protein (p.Gly157Ser). This variant is not present in population databases (gnomAD no frequency). This variant has not been reported in the literature in individuals affected with SDHA-related conditions. ClinVar contains an entry for this variant (Variation ID: 849664). Invitae Evidence Modeling of protein sequence and biophysical properties (such as structural, functional, and spatial information, amino acid conservation, physicochemical variation, residue mobility, and thermodynamic stability) has been performed for this missense variant. However, the output from this modeling did not meet the statistical confidence thresholds required to predict the impact of this variant on SDHA protein function. In summary, the available evidence is currently insufficient to determine the role of this variant in disease. Therefore, it has been classified as a Variant of Uncertain Significance.

NM_004168.4(SDHA):c.469G>A (p.Gly157Ser)

Gene: SDHA (succinate dehydrogenase complex flavoprotein subunit A; plus strand). Cytogenetic location: 5p15.33.
Variant type: single nucleotide variant.
Coding change: c.469G>A on transcript NM_004168.4 (MANE Select); coding-DNA position 469, G replaced by A.
Protein change: p.Gly157Ser; replaces glycine 157 with serine.
Molecular consequence: missense variant.
Genome position (GRCh38, 1-based): chr5:225,895, G>A. VCF-style: chr5-225895-G-A. GRCh37 (hg19) VCF-style: chr5-226010-G-A.
Other names: c.325G>A, p.Gly109Ser (NM_001294332.2); c.469G>A, p.Gly157Ser (NM_001330758.2); c.469G>A (NM_004168.2); short protein forms G109S, G157S.
Identifiers: ClinVar variation 849664 (VCV000849664.10), dbSNP rs1734987233, ClinGen allele CA359009850.
Genomic context (GRCh38, chr5:225,895, plus strand): 5'-TGACTCCTTTAAGGTGTTAAGGTTTTTGTTTGTTTTTATCTTTCACAGCTAGAAAATTAT[G>A]GCATGCCGTTTAGCAGAACTGAAGATGGGAAGATTTATCAGCGTGCATTTGGTGGACAGA-3'
Protein context (NP_004159.2, residues 147-167): PAAVVELENY[Gly157Ser]MPFSRTEDGK